The following is an entry in ClinVar:

NM_001010892.3(RSPH4A):c.1436A>G (p.Asn479Ser)

Gene: RSPH4A (radial spoke head component 4A; plus strand). Cytogenetic location: 6q22.1.
Variant type: single nucleotide variant.
Coding change: c.1436A>G on transcript NM_001010892.3 (MANE Select); coding-DNA position 1436, A replaced by G.
Protein change: p.Asn479Ser; replaces asparagine 479 with serine.
Molecular consequence: missense variant.
Genome position (GRCh38, 1-based): chr6:116,628,143, A>G. VCF-style: chr6-116628143-A-G. GRCh37 (hg19) VCF-style: chr6-116949306-A-G.
Other names: c.1436A>G, p.Asn479Ser (NM_001161664.2); short protein forms N479S.
Identifiers: ClinVar variation 1395494 (VCV001395494.5), dbSNP rs766529254, ClinGen allele CA3970950.
Genomic context (GRCh38, chr6:116,628,143, plus strand): 5'-AGAAATTTTTCACTGGGCGATTGGATGCTCCCATCATAAGCTACCCACCTTTCCCAGGAA[A>G]TGAGAGTAATTATTTACGAGCACAAATTGCCCGAATTTCAGCAGGAACCCACGTCAGTCC-3'
Protein context (NP_001010892.1, residues 469-489): PIISYPPFPG[Asn479Ser]ESNYLRAQIA

ClinVar aggregate classification (germline): Uncertain significance. Review status: criteria provided, multiple submitters, no conflicts (2 of 4 stars). 2 submissions from 2 submitters: Uncertain significance (2). Last evaluated 2023-05-17.

Conditions:
Primary ciliary dyskinesia 11. Also called: CILIARY DYSKINESIA, PRIMARY, 11, WITHOUT SITUS INVERSUS. Identifiers: Orphanet 244, MedGen C2675229, MONDO:0012978, OMIM 612649.
Primary ciliary dyskinesia. Also called: Ciliary dyskinesia. Identifiers: Orphanet 244, MedGen C0008780, MONDO:0016575, HP:0012265.

Allele frequency attached by ClinVar (database versions not stated): ExAC 0.00001; gnomAD exomes 0.00001 and 0.00008; gnomAD 0.00002; TOPMed 0.00002.

Submissions (2):

Revvity Omics, Revvity
Classification: Uncertain significance for Primary ciliary dyskinesia 11. Last evaluated: 2023-05-17. Review status: criteria provided, single submitter. Criteria: ACMG Guidelines, 2015. Collection method: clinical testing. Allele origin: germline.

Labcorp Genetics (formerly Invitae), Labcorp
Classification: Uncertain significance for Primary ciliary dyskinesia. Last evaluated: 2021-10-14. Review status: criteria provided, single submitter. Criteria: Invitae Variant Classification Sherloc (09022015). Collection method: clinical testing. Allele origin: germline.
Comment: This sequence change replaces asparagine with serine at codon 479 of the RSPH4A protein (p.Asn479Ser). The asparagine residue is moderately conserved and there is a small physicochemical difference between asparagine and serine. This variant is present in population databases (rs766529254, ExAC 0.002%). This variant has not been reported in the literature in individuals affected with RSPH4A-related conditions. Algorithms developed to predict the effect of missense changes on protein structure and function are either unavailable or do not agree on the potential impact of this missense change (SIFT: "Tolerated"; PolyPhen-2: "Possibly Damaging"; Align-GVGD: "Class C0"). Algorithms developed to predict the effect of sequence changes on RNA splicing suggest that this variant may create or strengthen a splice site. In summary, the available evidence is currently insufficient to determine the role of this variant in disease. Therefore, it has been classified as a Variant of Uncertain Significance.